The following is an entry in ClinVar:

NM_020779.4(WDR35):c.2672T>C (p.Val891Ala)

Gene: WDR35 (WD repeat domain 35; minus strand). Cytogenetic location: 2p24.1.
Variant type: single nucleotide variant.
Coding change: c.2672T>C on transcript NM_020779.4 (MANE Select); coding-DNA position 2672, T replaced by C.
Protein change: p.Val891Ala; replaces valine 891 with alanine.
Molecular consequence: missense variant.
Genome position (GRCh38, 1-based): chr2:19,932,434, A>G on the plus strand (T>C on the coding strand, the complement: WDR35 is on the minus strand). VCF-style: chr2-19932434-A-G. GRCh37 (hg19) VCF-style: chr2-20132195-A-G.
Other names: c.2705T>C, p.Val902Ala (NM_001006657.2); short protein forms V902A, V891A.
Identifiers: ClinVar variation 658342 (VCV000658342.6), dbSNP rs370706293, ClinGen allele CA1542860.
Genomic context (GRCh38, chr2:19,932,434, plus strand): 5'-GATGCATACCTAGCTAACAGAGATCCAATTTCTTTCATACTATGATTTTTAGCCAATTCA[A>G]CAGCTTTGTTCCACTAGGAGAAAAATTACACCATTCAGTCACCCAAGTATTTACAGTCAC-3'
Protein context (NP_065830.2, residues 881-901): CVHLNQWNKA[Val891Ala]ELAKNHSMKE

ClinVar aggregate classification (germline): Uncertain significance (1 of 4 stars; one submission).

Conditions:
Cranioectodermal dysplasia 2 (CED2). Identifiers: Orphanet 1515, MedGen C3150874, MONDO:0013323, OMIM 613610.
Short-rib thoracic dysplasia 7 with or without polydactyly (SRTD7). Also called: Short rib polydactyly syndrome 5; SHORT-RIB THORACIC DYSPLASIA 7 WITH POLYDACTYLY. Identifiers: Orphanet 498497, Orphanet 93271, MedGen C3279792, MONDO:0013569, OMIM 614091.

Allele frequency attached by ClinVar (database versions not stated): TOPMed below 0.00001; gnomAD 0.00001 and 0.00003; gnomAD exomes 0.00001 and 0.00005; ExAC 0.00007; 1000 Genomes Project 30x 0.00016; 1000 Genomes Project 0.00020.
gnomAD v4.1: 31 of 1,613,290 alleles (0.0019%); highest among the groups gnomAD compares: East Asian, 0.034%; no homozygotes.

Submission:

Labcorp Genetics (formerly Invitae), Labcorp
Classification: Uncertain significance for Cranioectodermal dysplasia 2; Short-rib thoracic dysplasia 7 with or without polydactyly. Last evaluated: 2021-08-20. Review status: criteria provided, single submitter. Criteria: Invitae Variant Classification Sherloc (09022015). Collection method: clinical testing. Allele origin: germline.
Comment: This sequence change replaces valine with alanine at codon 902 of the WDR35 protein (p.Val902Ala). The valine residue is highly conserved and there is a small physicochemical difference between valine and alanine. This variant is present in population databases (rs370706293, ExAC 0.07%). This variant has not been reported in the literature in individuals affected with WDR35-related conditions. Algorithms developed to predict the effect of missense changes on protein structure and function are either unavailable or do not agree on the potential impact of this missense change (SIFT: "Tolerated"; PolyPhen-2: "Probably Damaging"; Align-GVGD: "Class C0"). In summary, the available evidence is currently insufficient to determine the role of this variant in disease. Therefore, it has been classified as a Variant of Uncertain Significance.